The following is an entry in ClinVar:

ClinVar aggregate classification (germline): Benign. Review status: reviewed by expert panel (3 of 4 stars). 2 submissions from 2 submitters: Benign (1). 1 of the submissions does not count toward it. Last evaluated 2015-01-12.

Conditions:
Breast-ovarian cancer, familial, susceptibility to, 1 (BROVCA1). Also called: BRCA1 Hereditary Breast and Ovarian Cancer; OVARIAN CANCER, SUSCEPTIBILITY TO. Identifiers: Orphanet 145, MedGen C2676676, MONDO:0011450, OMIM 604370. Disease mechanism: loss of function.

Allele frequency attached by ClinVar (database versions not stated): 1000 Genomes Project 0.01158; 1000 Genomes Project 30x 0.01171; TOPMed 0.01774; gnomAD 0.01951 and 0.01994.
gnomAD v4.1: 2,970 of 152,252 alleles (2%); highest among the groups gnomAD compares: Non-Finnish European, 2.9%; 47 homozygotes.

Submissions (2):

Evidence-based Network for the Interpretation of Germline Mutant Alleles (ENIGMA)
Classification: Benign for Breast-ovarian cancer, familial 1. Last evaluated: 2015-01-12. Review status: reviewed by expert panel. Criteria: ENIGMA BRCA1/2 Classification Criteria (2015). Collection method: curation. Allele origin: germline.
Comment: Class 1 not pathogenic based on frequency >1% in an outbred sampleset. Frequency 0.03166 (European), derived from 1000 genomes (2012-04-30).

GeneDx
Classification: Likely benign. Last evaluated: 2021-05-11. Review status: criteria provided, single submitter. Criteria: GeneDx Variant Classification Process June 2021. Collection method: clinical testing. Allele origin: germline. Affected: yes. Not counted in ClinVar's aggregate classification.

NM_007294.4(BRCA1):c.4186-4027G>A

Gene: BRCA1 (BRCA1 DNA repair associated; minus strand). Cytogenetic location: 17q21.31.
Variant type: single nucleotide variant.
Coding change: c.4186-4027G>A on transcript NM_007294.4 (MANE Select); 4027 bases into the intron before coding-DNA position 4186, G replaced by A.
Molecular consequence: intron variant.
Genome position (GRCh38, 1-based): chr17:43,086,602, C>T on the plus strand (G>A on the coding strand, the complement: BRCA1 is on the minus strand). VCF-style: chr17-43086602-C-T. GRCh37 (hg19) VCF-style: chr17-41238619-C-T.
Other names: IVS 12-4027G>A; c.736-4027G>A (NM_001408458.1, NM_001408453.1, NM_001408461.1 and 8 more transcripts); c.3298-4027G>A (NM_001407967.1, NM_001407966.1); c.3805-4027G>A (NM_001407959.1, NM_001407960.1); c.3919-4027G>A (NM_001407931.1, NM_001407932.1, NM_001407936.1 and 1 more transcripts); c.4042-4027G>A (NM_001407747.1, NM_001407839.1, NM_001407745.1 and 17 more transcripts); c.3802-4027G>A (NM_001407962.1); c.373-4027G>A (NM_001408512.1); and 65 more.
Identifiers: ClinVar variation 209423 (VCV000209423.4), dbSNP rs8176173, ClinGen allele CA276395.